The following is an entry in ClinVar:

ClinVar aggregate classification (germline): Uncertain significance. Review status: criteria provided, multiple submitters, no conflicts (2 of 4 stars). 2 submissions from 2 submitters: Uncertain significance (2). Last evaluated 2022-05-30.

Conditions:
Autosomal recessive osteopetrosis 2. Also called: OSTEOPETROSIS, MILD AUTOSOMAL RECESSIVE FORM. Identifiers: Orphanet 667, MedGen C1850126, MONDO:0009816, OMIM 259710.

Allele frequency attached by ClinVar (database versions not stated): TOPMed below 0.00001; gnomAD exomes 0.00001 and 0.00002; ExAC 0.00004.

Submissions (2):

Labcorp Genetics (formerly Invitae), Labcorp
Classification: Uncertain significance. Last evaluated: 2022-05-30. Review status: criteria provided, single submitter. Criteria: Invitae Variant Classification Sherloc (09022015). Collection method: clinical testing. Allele origin: germline.
Comment: ClinVar contains an entry for this variant (Variation ID: 312230). This variant has not been reported in the literature in individuals affected with TNFSF11-related conditions. This variant is present in population databases (rs779371056, gnomAD 0.01%). This sequence change replaces valine, which is neutral and non-polar, with methionine, which is neutral and non-polar, at codon 50 of the TNFSF11 protein (p.Val50Met). Algorithms developed to predict the effect of missense changes on protein structure and function output the following: SIFT: "Tolerated"; PolyPhen-2: "Benign"; Align-GVGD: "Class C0". The methionine amino acid residue is found in multiple mammalian species, which suggests that this missense change does not adversely affect protein function. In summary, the available evidence is currently insufficient to determine the role of this variant in disease. Therefore, it has been classified as a Variant of Uncertain Significance.

Illumina Laboratory Services, Illumina
Classification: Uncertain significance for Autosomal recessive osteopetrosis 2. Last evaluated: 2018-01-13. Review status: criteria provided, single submitter. Criteria: ICSL Variant Classification Criteria 13 December 2019. Collection method: clinical testing. Allele origin: germline.

NM_003701.4(TNFSF11):c.148G>A (p.Val50Met)

Genes: TNFSF11 (TNF superfamily member 11; plus strand), LOC130009662 (ATAC-STARR-seq lymphoblastoid silent region 5301; plus strand). Cytogenetic location: 13q14.11.
Variant type: single nucleotide variant.
Coding change: c.148G>A on transcript NM_003701.4 (MANE Select); coding-DNA position 148, G replaced by A.
Protein change: p.Val50Met; replaces valine 50 with methionine.
Molecular consequence: missense variant. On other transcripts: intron variant (1).
Genome position (GRCh38, 1-based): chr13:42,574,451, G>A. VCF-style: chr13-42574451-G-A. GRCh37 (hg19) VCF-style: chr13-43148587-G-A.
Other names: c.-1+2713G>A (NM_033012.4); short protein forms V50M.
Identifiers: ClinVar variation 312230 (VCV000312230.11), dbSNP rs779371056, ClinGen allele CA6967139.